The following is an entry in ClinVar:

ClinVar aggregate classification (germline): Conflicting classifications of pathogenicity. Review status: criteria provided, conflicting classifications (1 of 4 stars). 7 submissions from 6 submitters: Uncertain significance (3); Likely benign (3). 1 of the submissions does not count toward it. Last evaluated 2026-01-10.

Conditions:
Hypercholesterolemia, autosomal dominant, type B (FHCL2). Also called: APOB-Related Familial Hypercholesterolemia, Autosomal Dominant; Hyperlipoproteinemia Type IIb; Familial Hypercholesterolemia Type B; APOLIPOPROTEIN B-100, FAMILIAL DEFECTIVE; APOLIPOPROTEIN B-100, FAMILIAL LIGAND-DEFECTIVE; Familial hypercholesterolemia 2. Identifiers: MedGen C1704417, MONDO:0007751, OMIM 144010.
Familial hypobetalipoproteinemia 1. Also called: APOB-Related Familial Hypobetalipoproteinemia; Hypobetalipoproteinemia, normotriglyceridemic; Acanthocytosis with hypobetalipoproteinemia. Identifiers: MedGen C4551990, MONDO:0014252, OMIM 615558.
Cardiovascular phenotype. Identifiers: MedGen CN230736.
APOB-related disorder. Also called: APOB-related disorders; APOB-related condition.

Allele frequency attached by ClinVar (database versions not stated): gnomAD exomes 0.00012; ExAC 0.00013; TOPMed 0.00011; gnomAD 0.00012 and 0.00011; ESP Exome Variant Server 0.00008.
gnomAD v4.1: 162 of 1,613,888 alleles (0.01%); highest among the groups gnomAD compares: Non-Finnish European, 0.0072%; 1 homozygote.

Submissions (7):

Labcorp Genetics (formerly Invitae), Labcorp
Classification: Likely benign for Familial hypobetalipoproteinemia 1; Hypercholesterolemia, autosomal dominant, type B. Last evaluated: 2026-01-10. Review status: criteria provided, single submitter. Criteria: Invitae Variant Classification Sherloc (09022015). Collection method: clinical testing. Allele origin: germline.

Molecular Diagnostic Laboratory for Inherited Cardiovascular Disease, Montreal Heart Institute
Classification: Likely benign. Last evaluated: 2025-04-09. Review status: criteria provided, single submitter. Criteria: ACMG Guidelines, 2015. Collection method: clinical testing. Allele origin: germline. Affected: no.

GeneDx
Classification: Uncertain significance. Last evaluated: 2023-07-06. Review status: criteria provided, single submitter. Criteria: GeneDx Variant Classification Process June 2021. Collection method: clinical testing. Allele origin: germline. Affected: yes.
Comment: In silico analysis supports that this missense variant does not alter protein structure/function; This variant is associated with the following publications: (PMID: 22923420)

Ambry Genetics
Classification: Likely benign for Cardiovascular phenotype. Last evaluated: 2022-10-12. Review status: criteria provided, single submitter. Criteria: Ambry Variant Classification Scheme 2023. Collection method: clinical testing. Allele origin: germline.

Illumina Laboratory Services, Illumina
Classification: Uncertain significance for Hypercholesterolemia, autosomal dominant, type B. Last evaluated: 2018-01-13. Review status: criteria provided, single submitter. Criteria: ICSL Variant Classification Criteria 13 December 2019. Collection method: clinical testing. Allele origin: germline.

Illumina Laboratory Services, Illumina
Classification: Uncertain significance for Familial hypobetalipoproteinemia 1. Last evaluated: 2018-01-13. Review status: criteria provided, single submitter. Criteria: ICSL Variant Classification Criteria 13 December 2019. Collection method: clinical testing. Allele origin: germline.

PreventionGenetics, part of Exact Sciences
Classification: Likely benign for APOB-related condition. Last evaluated: 2022-11-08. Review status: no assertion criteria provided. Collection method: clinical testing. Allele origin: germline. Not counted in ClinVar's aggregate classification.
Comment: This variant is classified as likely benign based on ACMG/AMP sequence variant interpretation guidelines (Richards et al. 2015 PMID: 25741868, with internal and published modifications).

Literature cited by the submitters: PubMed 22923420 (cited by Ambry Genetics).

NM_000384.3(APOB):c.11542G>A (p.Ala3848Thr)

Gene: APOB (apolipoprotein B; minus strand). Cytogenetic location: 2p24.1.
Variant type: single nucleotide variant.
Coding change: c.11542G>A on transcript NM_000384.3 (MANE Select); coding-DNA position 11542, G replaced by A.
Protein change: p.Ala3848Thr; replaces alanine 3848 with threonine.
Molecular consequence: missense variant.
Genome position (GRCh38, 1-based): chr2:21,005,326, C>T on the plus strand (G>A on the coding strand, the complement: APOB is on the minus strand). VCF-style: chr2-21005326-C-T. GRCh37 (hg19) VCF-style: chr2-21228198-C-T.
Other names: short protein forms A3848T.
Identifiers: ClinVar variation 630246 (VCV000630246.58), dbSNP rs61743512, ClinGen allele CA046824.
Genomic context (GRCh38, chr2:21,005,326, plus strand): 5'-TAATGGAGGGAATCTCAATGGTCTGCTCAGGCACGATGATGGTGGGCAACTCAAAGTCTG[C>T]GATCTTGTTGGCTACTGCATTTAGATCCAAAGCAGCAATGCCATCTGAAACACTTTTTGG-3'
Protein context (NP_000375.3, residues 3838-3858): LDLNAVANKI[Ala3848Thr]DFELPTIIVP